The following is an entry in ClinVar:

NM_001023.4(RPS20):c.177+18G>A

Gene: RPS20 (ribosomal protein S20; minus strand). Cytogenetic location: 8q12.1.
Variant type: single nucleotide variant.
Coding change: c.177+18G>A on transcript NM_001023.4 (MANE Select); 18 bases into the intron after coding-DNA position 177, G replaced by A.
Molecular consequence: intron variant.
Genome position (GRCh38, 1-based): chr8:56,073,677, C>T on the plus strand (G>A on the coding strand, the complement: RPS20 is on the minus strand). VCF-style: chr8-56073677-C-T. GRCh37 (hg19) VCF-style: chr8-56986236-C-T.
Other names: c.177+18G>A (NM_001146227.3).
Identifiers: ClinVar variation 2195205 (VCV002195205.4), dbSNP rs1394044739, ClinGen allele CA582403085.

ClinVar aggregate classification (germline): Uncertain significance (1 of 4 stars; one submission).

Allele frequency attached by ClinVar (database versions not stated): gnomAD 0.00001; gnomAD exomes 0.00001; TOPMed 0.00001.
gnomAD v4.1: 11 of 1,606,860 alleles (0.00068%); highest among the groups gnomAD compares: East Asian, 0.0022%; no homozygotes.

Submission:

Labcorp Genetics (formerly Invitae), Labcorp
Classification: Uncertain significance. Last evaluated: 2024-08-15. Review status: criteria provided, single submitter. Criteria: Invitae Variant Classification Sherloc (09022015). Collection method: clinical testing. Allele origin: germline.
Comment: This sequence change falls in intron 3 of the RPS20 gene. It does not directly change the encoded amino acid sequence of the RPS20 protein. This variant is present in population databases (no rsID available, gnomAD 0.003%). This variant has not been reported in the literature in individuals affected with RPS20-related conditions. ClinVar contains an entry for this variant (Variation ID: 2195205). Algorithms developed to predict the effect of sequence changes on RNA splicing suggest that this variant may create or strengthen a splice site. In summary, the available evidence is currently insufficient to determine the role of this variant in disease. Therefore, it has been classified as a Variant of Uncertain Significance.